The following is an entry in ClinVar:

NM_001384732.1(CPLANE1):c.1809T>C (p.Thr603=)

Gene: CPLANE1 (ciliogenesis and planar polarity effector complex subunit 1; minus strand). Cytogenetic location: 5p13.2.
Variant type: single nucleotide variant.
Coding change: c.1809T>C on transcript NM_001384732.1 (MANE Select); coding-DNA position 1809, T replaced by C.
Protein change: p.Thr603=; no amino-acid change (threonine 603 retained).
Molecular consequence: synonymous variant.
Genome position (GRCh38, 1-based): chr5:37,226,786, A>G on the plus strand (T>C on the coding strand, the complement: CPLANE1 is on the minus strand). VCF-style: chr5-37226786-A-G. GRCh37 (hg19) VCF-style: chr5-37226888-A-G.
Other names: c.1809T>C, p.Thr603= (NM_023073.4).
Identifiers: ClinVar variation 158028 (VCV000158028.23), dbSNP rs115435816, ClinGen allele CA171422.

ClinVar aggregate classification (germline): Benign. Review status: criteria provided, multiple submitters, no conflicts (2 of 4 stars). 8 submissions from 8 submitters: Benign (7). 1 of the submissions does not count toward it. Last evaluated 2026-02-01.

Conditions:
Joubert syndrome 17 (JBTS17). Identifiers: Orphanet 475, MedGen C3553264, MONDO:0013824, OMIM 614615.
Orofaciodigital syndrome type 6 (OFD6). Also called: OROFACIODIGITAL SYNDROME VI; OFDS VI; POLYDACTYLY, CLEFT LIP/PALATE OR LINGUAL LUMP, AND PSYCHOMOTOR RETARDATION; VARADI SYNDROME; VARADI-PAPP SYNDROME; Oral-facial-digital syndrome type 6. Identifiers: Orphanet 2754, MedGen C2745997, MONDO:0010176, OMIM 277170.

Allele frequency attached by ClinVar (database versions not stated): ExAC 0.00717; gnomAD 0.01756 and 0.01890; 1000 Genomes Project 0.01837; 1000 Genomes Project 30x 0.01858; TOPMed 0.01937; ESP Exome Variant Server 0.01974; gnomAD exomes 0.00155 and 0.00377.
gnomAD v4.1: 4,960 of 1,543,388 alleles (0.32%); highest among the groups gnomAD compares: African/African-American, 6.2%; 147 homozygotes.

Submissions (8):

Labcorp Genetics (formerly Invitae), Labcorp
Classification: Benign. Last evaluated: 2026-02-01. Review status: criteria provided, single submitter. Criteria: Invitae Variant Classification Sherloc (09022015). Collection method: clinical testing. Allele origin: germline.

Women's Health and Genetics/Laboratory Corporation of America, LabCorp
Classification: Benign. Last evaluated: 2023-12-13. Review status: criteria provided, single submitter. Criteria: LabCorp Variant Classification Summary - May 2015. Collection method: clinical testing. Allele origin: germline.
Comment: Variant summary: CPLANE1 c.1809T>C results in a synonymous change. The variant allele was found at a frequency of 0.0032 in 1543388 control chromosomes in the gnomAD database, including 147 homozygotes. The observed variant frequency is approximately 2.17 fold of the estimated maximal expected allele frequency for a pathogenic variant in CPLANE1 causing Joubert Syndrome And Related Disorders phenotype (0.0015), strongly suggesting that the variant is benign. Four submitters have cited clinical-significance assessments for this variant to ClinVar after 2014. All submitters classified the variant as benign. Based on the evidence outlined above, the variant was classified as benign.

Fulgent Genetics
Classification: Benign for Orofaciodigital syndrome type 6; Joubert syndrome 17. Last evaluated: 2021-09-01. Review status: criteria provided, single submitter. Criteria: ACMG Guidelines, 2015. Collection method: clinical testing. Allele origin: unknown.

Illumina Laboratory Services, Illumina
Classification: Benign for Joubert syndrome 17. Last evaluated: 2018-01-12. Review status: criteria provided, single submitter. Criteria: ICSL Variant Classification Criteria 13 December 2019. Collection method: clinical testing. Allele origin: germline.
Comment: This variant was observed in the ICSL laboratory as part of a predisposition screen in an ostensibly healthy population. It had not been previously curated by ICSL or reported in the Human Gene Mutation Database (HGMD: prior to June 1st, 2018), and was therefore a candidate for classification through an automated scoring system. Utilizing variant allele frequency, disease prevalence and penetrance estimates, and inheritance mode, an automated score was calculated to assess if this variant is too frequent to cause the disease. Based on the score and internal cut-off values, a variant classified as benign is not then subjected to further curation. The score for this variant resulted in a classification of benign for this disease.

GeneDx
Classification: Benign. Last evaluated: 2016-09-12. Review status: criteria provided, single submitter. Criteria: GeneDx Variant Classification (06012015). Collection method: clinical testing. Allele origin: germline. Affected: yes.
Comment: This variant is considered likely benign or benign based on one or more of the following criteria: it is a conservative change, it occurs at a poorly conserved position in the protein, it is predicted to be benign by multiple in silico algorithms, and/or has population frequency not consistent with disease.

Breakthrough Genomics
Classification: Benign. Review status: criteria provided, single submitter. Criteria: ACMG Guidelines, 2015. Collection method: not provided. Allele origin: germline. Inheritance: Autosomal recessive inheritance. Affected: yes.

PreventionGenetics, part of Exact Sciences
Classification: Benign. Review status: criteria provided, single submitter. Criteria: ACMG Guidelines, 2015. Collection method: clinical testing. Allele origin: germline.

Genetic Services Laboratory, University of Chicago
Classification: Likely benign. Review status: no assertion criteria provided. Collection method: clinical testing. Allele origin: germline. Inheritance: Autosomal recessive inheritance. Not counted in ClinVar's aggregate classification.
Comment: Likely benign based on allele frequency in 1000 Genomes Project or ESP global frequency and its presence in a patient with a rare or unrelated disease phenotype. NOT Sanger confirmed